The following is an entry in ClinVar:

ClinVar aggregate classification (germline): Uncertain significance (1 of 4 stars; one submission).

Conditions:
Autosomal dominant nonsyndromic hearing loss 23. Identifiers: Orphanet 90635, MedGen C1854594, MONDO:0011519, OMIM 605192.
Branchiootic syndrome 3 (BOS3). Also called: BO SYNDROME 3. Identifiers: MedGen C1842124, MONDO:0012025, OMIM 608389.

gnomAD v4.1: 2 of 1,589,680 alleles (0.00013%); highest among the groups gnomAD compares: South Asian, 0.0022%; no homozygotes.

Submission:

Labcorp Genetics (formerly Invitae), Labcorp
Classification: Uncertain significance for Autosomal dominant nonsyndromic hearing loss 23; Branchiootic syndrome 3. Last evaluated: 2025-01-29. Review status: criteria provided, single submitter. Criteria: Invitae Variant Classification Sherloc (09022015). Collection method: clinical testing. Allele origin: germline.
Comment: This sequence change replaces threonine, which is neutral and polar, with proline, which is neutral and non-polar, at codon 190 of the SIX1 protein (p.Thr190Pro). This variant is not present in population databases (gnomAD no frequency). This variant has not been reported in the literature in individuals affected with SIX1-related conditions. Invitae Evidence Modeling of protein sequence and biophysical properties (such as structural, functional, and spatial information, amino acid conservation, physicochemical variation, residue mobility, and thermodynamic stability) indicates that this missense variant is not expected to disrupt SIX1 protein function with a negative predictive value of 80%. In summary, the available evidence is currently insufficient to determine the role of this variant in disease. Therefore, it has been classified as a Variant of Uncertain Significance.

NM_005982.4(SIX1):c.568A>C (p.Thr190Pro)

Gene: SIX1 (SIX homeobox 1; minus strand). Cytogenetic location: 14q23.1.
Variant type: single nucleotide variant.
Coding change: c.568A>C on transcript NM_005982.4 (MANE Select); coding-DNA position 568, A replaced by C.
Protein change: p.Thr190Pro; replaces threonine 190 with proline.
Molecular consequence: missense variant.
Genome position (GRCh38, 1-based): chr14:60,646,570, T>G on the plus strand (A>C on the coding strand, the complement: SIX1 is on the minus strand). VCF-style: chr14-60646570-T-G. GRCh37 (hg19) VCF-style: chr14-61113288-T-G.
Other names: c.509A>C, p.His170Pro (NM_001425142.1); short protein forms H170P, T190P.
Identifiers: ClinVar variation 3751186 (VCV003751186.1).
Genomic context (GRCh38, chr14:60,646,570, plus strand): 5'-TGCCCCCTTCCAGAGGAGAGAGTTGGTTCTGCTTGTTGGAGGAGGAGTTATTGTTTTCGG[T>G]GTTCTCCCTAAGAAATAGAGGACAACACCATATGGTTAAAAAAAAAAAAAAAAAAAAAAA-3'
Protein context (NP_005973.1, residues 180-200): RAAEAKEREN[Thr190Pro]ENNNSSSNKQ